The following is an entry in ClinVar:

ClinVar aggregate classification (germline): Benign. Review status: criteria provided, multiple submitters, no conflicts (2 of 4 stars). 3 submissions from 3 submitters: Benign (3). Last evaluated 2018-06-16.

Allele frequency attached by ClinVar (database versions not stated): gnomAD exomes 0.18369 and 0.19789; 1000 Genomes Project 30x 0.25016; TOPMed 0.27929; 1000 Genomes Project 0.24141; gnomAD 0.28187 and 0.27204; ESP Exome Variant Server 0.30057; ExAC 0.19166.
gnomAD v4.1: 327,446 of 1,599,502 alleles (20%); highest among the groups gnomAD compares: African/African-American, 50%; 38,790 homozygotes.

Submissions (3):

GeneDx
Classification: Benign. Last evaluated: 2018-06-16. Review status: criteria provided, single submitter. Criteria: GeneDx Variant Classification (06012015). Collection method: clinical testing. Allele origin: germline. Affected: yes.
Comment: This variant is considered likely benign or benign based on one or more of the following criteria: it is a conservative change, it occurs at a poorly conserved position in the protein, it is predicted to be benign by multiple in silico algorithms, and/or has population frequency not consistent with disease.

Breakthrough Genomics
Classification: Benign. Review status: criteria provided, single submitter. Criteria: ACMG Guidelines, 2015. Collection method: not provided. Allele origin: germline. Inheritance: Autosomal recessive inheritance. Affected: yes.

PreventionGenetics, part of Exact Sciences
Classification: Benign. Review status: criteria provided, single submitter. Criteria: ACMG Guidelines, 2015. Collection method: clinical testing. Allele origin: germline.

NM_001853.4(COL9A3):c.1368+24G>A

Gene: COL9A3 (collagen type IX alpha 3 chain; plus strand). Cytogenetic location: 20q13.33.
Variant type: single nucleotide variant.
Coding change: c.1368+24G>A on transcript NM_001853.4 (MANE Select); 24 bases into the intron after coding-DNA position 1368, G replaced by A.
Molecular consequence: intron variant.
Genome position (GRCh38, 1-based): chr20:62,833,088, G>A. VCF-style: chr20-62833088-G-A. GRCh37 (hg19) VCF-style: chr20-61464440-G-A.
Other names: c.1368+24G>A (LRG_1253t1).
Identifiers: ClinVar variation 258406 (VCV000258406.3), dbSNP rs1018440, ClinGen allele CA9949922.